The following is an entry in ClinVar:

ClinVar aggregate classification (germline): Likely benign. Review status: criteria provided, multiple submitters, no conflicts (2 of 4 stars). 5 submissions from 5 submitters: Likely benign (4). 1 of the submissions does not count toward it. Last evaluated 2026-07-01.

Conditions:
KANK1-related disorder. Also called: KANK1-related condition.
Cerebral palsy, spastic quadriplegic, 2 (CPSQ2). Identifiers: Orphanet 210141, MedGen C2752061, MONDO:0013033, OMIM 612900.

Allele frequency attached by ClinVar (database versions not stated): 1000 Genomes Project 30x 0.00016; 1000 Genomes Project 0.00020; gnomAD 0.00109 and 0.00111; TOPMed 0.00122; ESP Exome Variant Server 0.00200.
gnomAD v4.1: 3,260 of 1,614,114 alleles (0.2%); highest among the groups gnomAD compares: Non-Finnish European, 0.24%; 5 homozygotes.

Submissions (5):

CeGaT Center for Human Genetics Tuebingen
Classification: Likely benign. Last evaluated: 2026-07-01. Review status: criteria provided, single submitter. Criteria: CeGaT Center For Human Genetics Tuebingen Variant Classification Criteria Version 2. Collection method: clinical testing. Allele origin: germline. Affected: yes. Observed: 5 variant alleles.
Comment: KANK1: BP4

Labcorp Genetics (formerly Invitae), Labcorp
Classification: Likely benign. Last evaluated: 2026-01-30. Review status: criteria provided, single submitter. Criteria: Invitae Variant Classification Sherloc (09022015). Collection method: clinical testing. Allele origin: germline.

Blueprint Genetics
Classification: Likely benign. Last evaluated: 2024-11-18. Review status: criteria provided, single submitter. Criteria: ACMG Guidelines, 2015. Collection method: clinical testing. Allele origin: germline.

Fulgent Genetics
Classification: Likely benign for Cerebral palsy, spastic quadriplegic, 2. Last evaluated: 2021-07-20. Review status: criteria provided, single submitter. Criteria: ACMG Guidelines, 2015. Collection method: clinical testing. Allele origin: unknown.

PreventionGenetics, part of Exact Sciences
Classification: Likely benign for KANK1-related condition. Last evaluated: 2022-04-08. Review status: no assertion criteria provided. Collection method: clinical testing. Allele origin: germline. Not counted in ClinVar's aggregate classification.
Comment: This variant is classified as likely benign based on ACMG/AMP sequence variant interpretation guidelines (Richards et al. 2015 PMID: 25741868, with internal and published modifications).

NM_015158.5(KANK1):c.1103G>A (p.Arg368Gln)

Gene: KANK1 (KN motif and ankyrin repeat domains 1; plus strand). Cytogenetic location: 9p24.3.
Variant type: single nucleotide variant.
Coding change: c.1103G>A on transcript NM_015158.5 (MANE Select); coding-DNA position 1103, G replaced by A.
Protein change: p.Arg368Gln; replaces arginine 368 with glutamine.
Molecular consequence: missense variant. On other transcripts: non-coding transcript variant (1).
Genome position (GRCh38, 1-based): chr9:711,869, G>A. VCF-style: chr9-711869-G-A. GRCh37 (hg19) VCF-style: chr9-711869-G-A.
Other names: c.1103G>A, p.Arg368Gln (NM_001256876.3, NM_001256877.3, NM_001354331.2 and 2 more transcripts); c.629G>A, p.Arg210Gln (NM_001354333.2, NM_001354335.2, NM_001354336.2 and 9 more transcripts); c.1103G>A (NM_015158.3); short protein forms R210Q, R368Q.
Identifiers: ClinVar variation 1530841 (VCV001530841.20), dbSNP rs149775124, ClinGen allele CA4960122.